The following is an entry in ClinVar:

NM_005732.4(RAD50):c.487A>T (p.Asn163Tyr)

Gene: RAD50 (RAD50 double strand break repair protein; plus strand). Cytogenetic location: 5q31.1.
Variant type: single nucleotide variant.
Coding change: c.487A>T on transcript NM_005732.4 (MANE Select); coding-DNA position 487, A replaced by T.
Protein change: p.Asn163Tyr; replaces asparagine 163 with tyrosine.
Molecular consequence: missense variant.
Genome position (GRCh38, 1-based): chr5:132,579,438, A>T. VCF-style: chr5-132579438-A-T. GRCh37 (hg19) VCF-style: chr5-131915130-A-T.
Other names: short protein forms N163Y.
Identifiers: ClinVar variation 3786327 (VCV003786327.1).

ClinVar aggregate classification (germline): Uncertain significance (1 of 4 stars; one submission).

Conditions:
Hereditary cancer-predisposing syndrome. Also called: Neoplastic Syndromes, Hereditary; Hereditary Cancer Syndrome; Tumor predisposition; Hereditary neoplastic syndrome. Identifiers: Orphanet 140162, MedGen C0027672, MeSH D009386, MONDO:0015356.

gnomAD v4.1: 1 of 1,613,994 alleles (0.000062%); highest among the groups gnomAD compares: African/African-American, 0.0013%; no homozygotes.

Submission:

Ambry Genetics
Classification: Uncertain significance for Hereditary cancer-predisposing syndrome. Last evaluated: 2025-03-11. Review status: criteria provided, single submitter. Criteria: Ambry Variant Classification Scheme 2023. Collection method: clinical testing. Allele origin: germline.
Comment: The p.N163Y variant (also known as c.487A>T), located in coding exon 4 of the RAD50 gene, results from an A to T substitution at nucleotide position 487. The asparagine at codon 163 is replaced by tyrosine, an amino acid with dissimilar properties. This amino acid position is conserved. In addition, the in silico prediction for this alteration is inconclusive. Based on the available evidence, the clinical significance of this variant remains unclear.